The following is an entry in ClinVar:

ClinVar aggregate classification (germline): Uncertain significance. Review status: criteria provided, multiple submitters, no conflicts (2 of 4 stars). 3 submissions from 3 submitters: Uncertain significance (3). Last evaluated 2025-09-16.

Conditions:
CTNNA1-related disorder. Also called: CTNNA1-related condition.
Hereditary cancer-predisposing syndrome. Also called: Neoplastic Syndromes, Hereditary; Tumor predisposition; Hereditary Cancer Syndrome; Hereditary neoplastic syndrome. Identifiers: Orphanet 140162, MedGen C0027672, MeSH D009386, MONDO:0015356.

Allele frequency attached by ClinVar (database versions not stated): gnomAD exomes below 0.00001; TOPMed 0.00001; gnomAD 0.00010.
gnomAD v4.1: 6 of 1,614,036 alleles (0.00037%); highest among the groups gnomAD compares: African/African-American, 0.008%; no homozygotes.

Submissions (3):

Labcorp Genetics (formerly Invitae), Labcorp
Classification: Uncertain significance. Last evaluated: 2025-09-16. Review status: criteria provided, single submitter. Criteria: Invitae Variant Classification Sherloc (09022015). Collection method: clinical testing. Allele origin: germline.
Comment: This sequence change replaces glutamine, which is neutral and polar, with histidine, which is basic and polar, at codon 604 of the CTNNA1 protein (p.Gln604His). This variant is present in population databases (no rsID available, gnomAD 0.02%). This variant has not been reported in the literature in individuals affected with CTNNA1-related conditions. ClinVar contains an entry for this variant (Variation ID: 649501). Invitae Evidence Modeling of protein sequence and biophysical properties (such as structural, functional, and spatial information, amino acid conservation, physicochemical variation, residue mobility, and thermodynamic stability) indicates that this missense variant is not expected to disrupt CTNNA1 protein function with a negative predictive value of 80%. In summary, the available evidence is currently insufficient to determine the role of this variant in disease. Therefore, it has been classified as a Variant of Uncertain Significance.

Ambry Genetics
Classification: Uncertain significance for Hereditary cancer-predisposing syndrome. Last evaluated: 2024-09-10. Review status: criteria provided, single submitter. Criteria: Ambry Variant Classification Scheme 2023. Collection method: clinical testing. Allele origin: germline.
Comment: The p.Q604H variant (also known as c.1812G>C), located in coding exon 12 of the CTNNA1 gene, results from a G to C substitution at nucleotide position 1812. The glutamine at codon 604 is replaced by histidine, an amino acid with highly similar properties. This amino acid position is well conserved in available vertebrate species. In addition, this alteration is predicted to be tolerated by in silico analysis. The evidence for this gene-disease relationship is limited; therefore, the clinical significance of this alteration is unclear.

PreventionGenetics, part of Exact Sciences
Classification: Uncertain significance for CTNNA1-related condition. Last evaluated: 2023-10-11. Review status: criteria provided, single submitter. Criteria: ACMG Guidelines, 2015. Collection method: clinical testing. Allele origin: germline.
Comment: The CTNNA1 c.1812G>C variant is predicted to result in the amino acid substitution p.Gln604His. This variant has been reported in individuals from a gastric cancer and breast cancer cohort; However, no clinical details were provided (Table S1, Clark et al. 2020. PubMed ID: 32051609). This variant is reported in 0.016% of alleles in individuals of African descent in gnomAD. At this time, the clinical significance of this variant is uncertain due to the absence of conclusive functional and genetic evidence.

NM_001903.5(CTNNA1):c.1812G>C (p.Gln604His)

Gene: CTNNA1 (catenin alpha 1; plus strand). Cytogenetic location: 5q31.2.
Variant type: single nucleotide variant.
Coding change: c.1812G>C on transcript NM_001903.5 (MANE Select); coding-DNA position 1812, G replaced by C.
Protein change: p.Gln604His; replaces glutamine 604 with histidine.
Molecular consequence: missense variant.
Genome position (GRCh38, 1-based): chr5:138,925,320, G>C. VCF-style: chr5-138925320-G-C. GRCh37 (hg19) VCF-style: chr5-138261009-G-C.
Other names: c.1812G>C (NM_001903.4); c.1812G>C, p.Gln604His (NM_001290307.3, NM_001323982.2, NM_001323983.1 and 2 more transcripts); c.1503G>C, p.Gln501His (NM_001290309.3); c.1443G>C, p.Gln481His (NM_001290310.3); c.702G>C, p.Gln234His (NM_001290312.1, NM_001323987.1, NM_001323988.1 and 17 more transcripts); c.1719G>C, p.Gln573His (NM_001323986.2); c.363G>C, p.Gln121His (NM_001324006.1, NM_001324007.1, NM_001324008.1 and 2 more transcripts); c.609G>C, p.Gln203His (NM_001324011.1); and 1 more; short protein forms Q121H, Q153H, Q481H, Q573H, Q604H, Q501H, Q203H, Q234H.
Identifiers: ClinVar variation 649501 (VCV000649501.13), dbSNP rs1042043013, ClinGen allele CA128217564.